The following is an entry in ClinVar:

ClinVar aggregate classification (germline): Pathogenic. Review status: criteria provided, multiple submitters, no conflicts (2 of 4 stars). 2 submissions from 2 submitters: Pathogenic (2). Last evaluated 2023-09-28.

Conditions:
CFL2-related disorder. Also called: CFL2-related condition.
Nemaline myopathy 7 (NEM7). Also called: Nemaline myopathy 7, autosomal recessive. Identifiers: Orphanet 171436, MedGen C1853154, MONDO:0012538, OMIM 610687.

Submissions (2):

PreventionGenetics, part of Exact Sciences
Classification: Pathogenic for CFL2-related condition. Last evaluated: 2023-09-28. Review status: criteria provided, single submitter. Criteria: ACMG Guidelines, 2015. Collection method: clinical testing. Allele origin: germline.
Comment: The CFL2 c.100_103delAAAG variant is predicted to result in a frameshift and premature protein termination (p.Lys34Glnfs*6). This variant has been reported in the homozygous state to be causative for autosomal recessive early-onset nemaline myopathy in a single patient (Ong et al. 2014. PubMed ID: 24610938). This variant has not been reported in a large population database, indicating this variant is rare. Frameshift variants in CFL2 are expected to be pathogenic. This variant is interpreted as pathogenic.

Labcorp Genetics (formerly Invitae), Labcorp
Classification: Pathogenic for Nemaline myopathy 7. Last evaluated: 2021-08-02. Review status: criteria provided, single submitter. Criteria: Invitae Variant Classification Sherloc (09022015). Collection method: clinical testing. Allele origin: germline.
Comment: This premature translational stop signal has been observed in individual(s) with nemaline myopathy (PMID: 24610938). This variant is not present in population databases (ExAC no frequency). This sequence change creates a premature translational stop signal (p.Lys34Glnfs*6) in the CFL2 gene. It is expected to result in an absent or disrupted protein product. Loss-of-function variants in CFL2 are known to be pathogenic (PMID: 24610938, 27447704, 29457652). For these reasons, this variant has been classified as Pathogenic.

Literature cited by the submitters: PubMed 24610938 (cited by Labcorp Genetics (formerly Invitae), Labcorp); PubMed 27447704 (cited by Labcorp Genetics (formerly Invitae), Labcorp); PubMed 29457652 (cited by Labcorp Genetics (formerly Invitae), Labcorp).

NM_138638.5(CFL2):c.100_103del (p.Lys34fs)

Gene: CFL2 (cofilin 2; minus strand). Cytogenetic location: 14q13.1.
Variant type: Microsatellite.
Coding change: c.100_103del on transcript NM_138638.5 (MANE Select); coding-DNA positions 100 to 103, 4 bases deleted (AAAG; older notation c.100_103delAAAG).
Protein change: p.Lys34fs; shifts the reading frame from lysine 34.
Molecular consequence: frameshift variant. On other transcripts: non-coding transcript variant (1).
Genome position (GRCh38, 1-based): chr14:34,713,462-34,713,465, CTTT deleted on the plus strand (AAAG on the coding strand, the reverse complement: CFL2 is on the minus strand); deleting any 4 consecutive bases within chr14:34,713,462-34,713,471 gives the same sequence; the c. name uses the placement nearest the transcript's 3' end. VCF-style (leftmost placement, unchanged base first): chr14-34713461-GCTTT-G. GRCh37 (hg19) VCF-style: chr14-35182667-GCTTT-G.
Other names: c.49_52del, p.Lys17fs (NM_001243645.2); c.100_103del, p.Lys34fs (NM_021914.8); c.100_103delAAAG (NM_021914.7); short protein forms K34fs, K17fs.
Identifiers: ClinVar variation 1395680 (VCV001395680.6), dbSNP rs1885387438, ClinGen allele CA915940303.